The following is an entry in ClinVar:

NM_000548.5(TSC2):c.2031C>T (p.Pro677=)

Gene: TSC2 (TSC complex subunit 2; plus strand). Cytogenetic location: 16p13.3.
Variant type: single nucleotide variant.
Coding change: c.2031C>T on transcript NM_000548.5 (MANE Select); coding-DNA position 2031, C replaced by T.
Protein change: p.Pro677=; no amino-acid change (proline 677 retained).
Molecular consequence: synonymous variant.
Genome position (GRCh38, 1-based): chr16:2,071,868, C>T. VCF-style: chr16-2071868-C-T. GRCh37 (hg19) VCF-style: chr16-2121869-C-T.
Other names: p.P677P:CCC>CCT; p.Pro677Pro; c.2031C>T, p.Pro677= (NM_001077183.3, NM_001114382.3, NM_001363528.2 and 3 more transcripts); c.1920C>T, p.Pro640= (NM_001318827.2); c.1884C>T, p.Pro628= (NM_001318829.2); c.1431C>T, p.Pro477= (NM_001318831.2); c.2064C>T, p.Pro688= (NM_001318832.2).
Identifiers: ClinVar variation 49616 (VCV000049616.91), dbSNP rs45517208, ClinGen allele CA016473.

ClinVar aggregate classification (germline): Benign/Likely benign. Review status: criteria provided, multiple submitters, no conflicts (2 of 4 stars). 27 submissions from 27 submitters: Benign (15); Likely benign (5). 7 of the submissions do not count toward it. Last evaluated 2026-09-01.

Conditions:
Lung lymphangioleiomyomatosis. Identifiers: Orphanet 538, MedGen C0349649, MONDO:0006277.
Tuberous sclerosis syndrome (TSC). Also called: Tuberous Sclerosis Complex; Tuberous sclerosis. Identifiers: Orphanet 805, MedGen C0041341, MONDO:0001734.
Hereditary cancer-predisposing syndrome. Also called: Neoplastic Syndromes, Hereditary; Tumor predisposition; Hereditary Cancer Syndrome; Hereditary neoplastic syndrome. Identifiers: Orphanet 140162, MedGen C0027672, MeSH D009386, MONDO:0015356.
Tuberous sclerosis 2 (TSC2). Identifiers: Orphanet 805, MedGen C1860707, MONDO:0013199, OMIM 613254.

Allele frequency attached by ClinVar (database versions not stated): gnomAD exomes 0.00625 and 0.00255; TOPMed 0.00317; ExAC 0.00331; gnomAD 0.00344 and 0.00361; ESP Exome Variant Server 0.00064; 1000 Genomes Project 30x 0.00109; 1000 Genomes Project 0.00160.
gnomAD v4.1: 9,375 of 1,593,286 alleles (0.59%); highest among the groups gnomAD compares: Non-Finnish European, 0.76%; 37 homozygotes.

Submissions (27):

CeGaT Center for Human Genetics Tuebingen
Classification: Benign. Last evaluated: 2026-09-01. Review status: criteria provided, single submitter. Criteria: CeGaT Center For Human Genetics Tuebingen Variant Classification Criteria Version 2. Collection method: clinical testing. Allele origin: germline. Affected: yes. Observed: 71 variant alleles.
Comment: TSC2: BP4, BP7, BS1, BS2

Labcorp Genetics (formerly Invitae), Labcorp
Classification: Benign for Tuberous sclerosis 2. Last evaluated: 2026-02-04. Review status: criteria provided, single submitter. Criteria: Invitae Variant Classification Sherloc (09022015). Collection method: clinical testing. Allele origin: germline.

Myriad Genetics, Inc.
Classification: Benign for Tuberous sclerosis 2. Last evaluated: 2025-05-16. Review status: criteria provided, single submitter. Criteria: Myriad Autosomal Dominant, Autosomal Recessive and X-Linked Classification Criteria (2023). Collection method: clinical testing. Allele origin: unknown.
Comment: This variant is considered benign. This variant is a silent/synonymous amino acid change and it is not expected to impact splicing.

ARUP Laboratories, Molecular Genetics and Genomics, ARUP Laboratories
Classification: Benign. Last evaluated: 2025-04-16. Review status: criteria provided, single submitter. Criteria: ARUP Molecular Germline Variant Investigation Process 2024. Collection method: clinical testing. Allele origin: germline.

Blueprint Genetics
Classification: Likely benign. Last evaluated: 2024-11-27. Review status: criteria provided, single submitter. Criteria: ACMG Guidelines, 2015. Collection method: clinical testing. Allele origin: germline.

Athena Diagnostics
Classification: Benign. Last evaluated: 2024-09-17. Review status: criteria provided, single submitter. Criteria: Athena Diagnostics Criteria. Collection method: clinical testing. Allele origin: unknown.

All of Us Research Program, National Institutes of Health
Classification: Benign for Tuberous sclerosis syndrome. Last evaluated: 2024-02-05. Review status: criteria provided, single submitter. Criteria: ACMG Guidelines, 2015. Collection method: clinical testing. Allele origin: germline. Inheritance: Autosomal dominant inheritance. Observed: 975 variant alleles, 971 heterozygotes, 4 homozygotes.
Comment: This study involves interpretation of variants in research participants for the purpose of population health screening. Participant phenotype was not available at the time of variant classification. Additional details can be found in publication PMID: 35346344, PMCID: PMC8962531

Department of Pathology and Laboratory Medicine, Sinai Health System
Classification: Benign for Lung lymphangioleiomyomatosis; Tuberous sclerosis syndrome. Last evaluated: 2022-10-27. Review status: criteria provided, single submitter. Criteria: ACMG Guidelines, 2015. Collection method: clinical testing. Allele origin: germline. Affected: yes.

Color Diagnostics, LLC DBA Color Health
Classification: Benign for Tuberous sclerosis syndrome. Last evaluated: 2022-08-17. Review status: criteria provided, single submitter. Criteria: ACMG Guidelines, 2015. Collection method: clinical testing. Allele origin: germline.

Genome-Nilou Lab
Classification: Benign for Tuberous sclerosis 2. Last evaluated: 2021-11-07. Review status: criteria provided, single submitter. Criteria: ACMG Guidelines, 2015. Collection method: clinical testing. Allele origin: germline. Affected: no.

Genetic Services Laboratory, University of Chicago
Classification: Benign. Last evaluated: 2021-10-19. Review status: criteria provided, single submitter. Criteria: ACMG Guidelines, 2015. Collection method: clinical testing. Allele origin: germline. Affected: no.

Quest Diagnostics Nichols Institute San Juan Capistrano
Classification: Benign. Last evaluated: 2021-06-21. Review status: criteria provided, single submitter. Criteria: Quest Diagnostics criteria. Collection method: clinical testing. Allele origin: unknown.

Sema4
Classification: Benign for Hereditary cancer-predisposing syndrome. Last evaluated: 2020-05-10. Review status: criteria provided, single submitter. Criteria: Sema4 Curation Guidelines. Collection method: curation. Allele origin: germline.

Illumina Laboratory Services, Illumina
Classification: Likely benign for Tuberous sclerosis syndrome. Last evaluated: 2018-05-01. Review status: criteria provided, single submitter. Criteria: ICSL Variant Classification Criteria 13 December 2019. Collection method: clinical testing. Allele origin: germline.
Comment: This variant was observed as part of a predisposition screen in an ostensibly healthy population. A literature search was performed for the gene, cDNA change, and amino acid change (where applicable). No publications were found based on this search. Allele frequency data from public databases allowed determination this variant is unlikely to cause disease. Therefore, this variant is classified as likely benign.

Women's Health and Genetics/Laboratory Corporation of America, LabCorp
Classification: Benign. Last evaluated: 2016-08-23. Review status: criteria provided, single submitter. Criteria: LabCorp Variant Classification Summary - May 2015. Collection method: clinical testing. Allele origin: germline.
Comment: Variant summary: The c.2031C>T (p.Pro677=) in TSC2 gene is a synonymous change that involves a non-conserved nucleotide. 5/5 programs in Alamut predict that this variant does not affect normal splicing, however no functional studies supporting this notion were published at the time of evaluation. The variant is present in the control population dataset of ExAC at frequency of 0.003 (156/47170 chrs tested), predominantly in individuals of European descent (0.006; 136/24126). This frequency exceeds the estimated maximum allele frequency for a pathogenic allele in this gene (0.0000068). The variant of interest has been cited as Benign/Likely Benign by multiple reputable databases/clinical laboratories. Taking together, based on the prevalence of this variant in general population the variant was classified as Benign.

Laboratory for Molecular Medicine, Mass General Brigham Personalized Medicine
Classification: Benign. Last evaluated: 2016-05-20. Review status: criteria provided, single submitter. Criteria: LMM Criteria. Collection method: clinical testing. Allele origin: germline. Observed: 2 variant alleles.
Comment: p.Pro677Pro in exon 19 of TSC2: This variant is not expected to have clinical si gnificance because it does not alter an amino acid residue and is not located wi thin the splice consensus sequence. It has been identified in 0.5% (136/24126) o f European chromosomes by the Exome Aggregation Consortium (ExAC; dbSNP rs45517208).

Eurofins Ntd Llc (ga)
Classification: Likely benign. Last evaluated: 2015-01-12. Review status: criteria provided, single submitter. Criteria: EGL Classification Definitions 2015. Collection method: clinical testing. Allele origin: germline. Observed: 1 variant allele, 1 heterozygote.

Ambry Genetics
Classification: Likely benign for Hereditary cancer-predisposing syndrome. Last evaluated: 2014-10-14. Review status: criteria provided, single submitter. Criteria: Ambry Variant Classification Scheme 2023. Collection method: clinical testing. Allele origin: germline.

GeneDx
Classification: Benign. Last evaluated: 2012-12-13. Review status: criteria provided, single submitter. Criteria: GeneDx Variant Classification (06012015). Collection method: clinical testing. Allele origin: germline. Affected: yes.
Comment: This variant is considered likely benign or benign based on one or more of the following criteria: it is a conservative change, it occurs at a poorly conserved position in the protein, it is predicted to be benign by multiple in silico algorithms, and/or has population frequency not consistent with disease.

PreventionGenetics, part of Exact Sciences
Classification: Likely benign. Review status: criteria provided, single submitter. Criteria: ACMG Guidelines, 2015. Collection method: clinical testing. Allele origin: germline.

Clinical Genetics DNA and cytogenetics Diagnostics Lab, Erasmus MC, Erasmus Medical Center
Classification: Benign. Review status: no assertion criteria provided. Collection method: clinical testing. Allele origin: germline. Affected: yes. Study: VKGL Data-share Consensus. Not counted in ClinVar's aggregate classification.

Clinical Genetics, Academic Medical Center
Classification: Benign. Review status: no assertion criteria provided. Collection method: clinical testing. Allele origin: germline. Affected: yes. Study: VKGL Data-share Consensus. Not counted in ClinVar's aggregate classification.

Diagnostic Laboratory, Department of Genetics, University Medical Center Groningen
Classification: Benign. Review status: no assertion criteria provided. Collection method: clinical testing. Allele origin: germline. Affected: yes. Study: VKGL Data-share Consensus. Not counted in ClinVar's aggregate classification.

Genome Diagnostics Laboratory, Amsterdam University Medical Center
Classification: Likely benign. Review status: no assertion criteria provided. Collection method: clinical testing. Allele origin: germline. Affected: yes. Study: VKGL Data-share Consensus. Not counted in ClinVar's aggregate classification.

Joint Genome Diagnostic Labs from Nijmegen and Maastricht, Radboudumc and MUMC+
Classification: Benign. Review status: no assertion criteria provided. Collection method: clinical testing. Allele origin: germline. Affected: yes. Study: VKGL Data-share Consensus. Not counted in ClinVar's aggregate classification.

Laboratory of Diagnostic Genome Analysis, Leiden University Medical Center (LUMC)
Classification: Likely benign. Review status: no assertion criteria provided. Collection method: clinical testing. Allele origin: germline. Affected: yes. Study: VKGL Data-share Consensus. Not counted in ClinVar's aggregate classification.

Tuberous sclerosis database (TSC2)
No classification provided. Condition: TSC. Review status: no classification provided. Criteria: Tuberous Sclerosis Database Assertion Criteria 2015. Collection method: curation. Allele origin: germline. Affected: yes. Not counted in ClinVar's aggregate classification.

Literature cited by the submitters: PubMed 10735580 (cited by Athena Diagnostics and Quest Diagnostics Nichols Institute San Juan Capistrano); PubMed 10205261 (cited by Athena Diagnostics and Quest Diagnostics Nichols Institute San Juan Capistrano).